The following is an entry in ClinVar:

ClinVar aggregate classification (germline): Uncertain significance. Review status: criteria provided, multiple submitters, no conflicts (2 of 4 stars). 10 submissions from 9 submitters: Uncertain significance (8). 2 of the submissions do not count toward it. Last evaluated 2026-04-03.

Conditions:
Dilated cardiomyopathy 1L (CMD1L). Identifiers: Orphanet 154, MedGen C1847667, MONDO:0011702, OMIM 606685.
Autosomal recessive limb-girdle muscular dystrophy type 2F (LGMDR6). Also called: Muscular dystrophy limb-girdle with delta-sarcoglyan deficiency; MUSCULAR DYSTROPHY, LIMB-GIRDLE, AUTOSOMAL RECESSIVE 6. Identifiers: Orphanet 219, MedGen C1832525, MONDO:0011028, OMIM 601287. Disease mechanism: Affects gamma-sarcoglycan and also disrupts the integrity of the entire sarcoglycan complex..

Allele frequency attached by ClinVar (database versions not stated): gnomAD exomes 0.00001 and 0.00005; ExAC 0.00004; gnomAD 0.00009; TOPMed 0.00011; 1000 Genomes Project 30x 0.00016; 1000 Genomes Project 0.00020.
gnomAD v4.1: 34 of 1,608,732 alleles (0.0021%); highest among the groups gnomAD compares: African/African-American, 0.035%; no homozygotes.

Submissions (10):

Women's Health and Genetics/Laboratory Corporation of America, LabCorp
Classification: Uncertain significance. Last evaluated: 2026-04-03. Review status: criteria provided, single submitter. Criteria: LabCorp Variant Classification Summary - May 2015. Collection method: clinical testing. Allele origin: germline.
Comment: Variant summary: SGCD c.160A>G (p.Ile54Val) results in a conservative amino acid change in the encoded protein sequence. Algorithms developed to predict the effect of missense changes on protein structure and function are either unavailable or do not agree on the potential impact of this missense change. The variant allele was found at a frequency of 5.3e-05 in 243252 control chromosomes, predominantly at a frequency of 0.00073 within the African or African-American subpopulation in the gnomAD database. This frequency is not significantly higher than estimated for disease-causing variants in SGCD, allowing no conclusion about variant significance. c.160A>G has been observed in individual(s) affected with Dilated cardiomyopathy (Mazzarotto_2020).. These report(s) do not provide unequivocal conclusions about association of the variant with Limb-Girdle Muscular Dystrophy, Autosomal Recessive. To our knowledge, no experimental evidence demonstrating an impact on protein function has been reported. The following publication have been ascertained in the context of this evaluation (PMID: 31983221). ClinVar contains an entry for this variant (Variation ID: 202087). Based on the evidence outlined above, the variant was classified as uncertain significance.

GeneDx
Classification: Uncertain significance. Last evaluated: 2023-06-30. Review status: criteria provided, single submitter. Criteria: GeneDx Variant Classification Process June 2021. Collection method: clinical testing. Allele origin: germline. Affected: yes.
Comment: In silico analysis supports that this missense variant does not alter protein structure/function; This variant is associated with the following publications: (PMID: 31983221, 19781108)

Genome-Nilou Lab
Classification: Uncertain significance for Autosomal recessive limb-girdle muscular dystrophy type 2F. Last evaluated: 2023-02-08. Review status: criteria provided, single submitter. Criteria: ACMG Guidelines, 2015. Collection method: clinical testing. Allele origin: germline.

Genome-Nilou Lab
Classification: Uncertain significance for Dilated cardiomyopathy 1L. Last evaluated: 2023-02-08. Review status: criteria provided, single submitter. Criteria: ACMG Guidelines, 2015. Collection method: clinical testing. Allele origin: germline.

Labcorp Genetics (formerly Invitae), Labcorp
Classification: Uncertain significance for Autosomal recessive limb-girdle muscular dystrophy type 2F. Last evaluated: 2022-09-07. Review status: criteria provided, single submitter. Criteria: Invitae Variant Classification Sherloc (09022015). Collection method: clinical testing. Allele origin: germline.
Comment: This sequence change replaces isoleucine, which is neutral and non-polar, with valine, which is neutral and non-polar, at codon 54 of the SGCD protein (p.Ile54Val). This variant is present in population databases (rs200671745, gnomAD 0.06%). This missense change has been observed in individual(s) with clinical features of dilated cardiomyopathy (PMID: 31983221). ClinVar contains an entry for this variant (Variation ID: 202087). Algorithms developed to predict the effect of missense changes on protein structure and function are either unavailable or do not agree on the potential impact of this missense change (SIFT: "Tolerated"; PolyPhen-2: "Possibly Damaging"; Align-GVGD: "Class C0"). In summary, the available evidence is currently insufficient to determine the role of this variant in disease. Therefore, it has been classified as a Variant of Uncertain Significance.

Fulgent Genetics
Classification: Uncertain significance for Autosomal recessive limb-girdle muscular dystrophy type 2F; Dilated cardiomyopathy 1L. Last evaluated: 2021-11-08. Review status: criteria provided, single submitter. Criteria: ACMG Guidelines, 2015. Collection method: clinical testing. Allele origin: unknown.

Eurofins Ntd Llc (ga)
Classification: Uncertain significance. Last evaluated: 2018-08-10. Review status: criteria provided, single submitter. Criteria: EGL ClinVar v180209 classification definitions. Collection method: clinical testing. Allele origin: germline. Observed: 2 variant alleles, 2 heterozygotes.

Stanford Center for Inherited Cardiovascular Disease, Stanford University
Classification: Uncertain significance. Last evaluated: 2014-03-27. Review status: criteria provided, single submitter. Criteria: ACMG Guidelines, 2015. Collection method: provider interpretation. Allele origin: germline.

Diagnostic Laboratory, Department of Genetics, University Medical Center Groningen
Classification: Uncertain significance. Review status: no assertion criteria provided. Collection method: clinical testing. Allele origin: germline. Affected: yes. Study: VKGL Data-share Consensus. Not counted in ClinVar's aggregate classification.

Laboratory of Diagnostic Genome Analysis, Leiden University Medical Center (LUMC)
Classification: Uncertain significance. Review status: no assertion criteria provided. Collection method: clinical testing. Allele origin: germline. Affected: yes. Study: VKGL Data-share Consensus. Not counted in ClinVar's aggregate classification.

Literature cited by the submitters: PubMed 31983221 (cited by Women's Health and Genetics/Laboratory Corporation of America, LabCorp and Labcorp Genetics (formerly Invitae), Labcorp).

NM_000337.6(SGCD):c.160A>G (p.Ile54Val)

Gene: SGCD (sarcoglycan delta; plus strand). Cytogenetic location: 5q33.3.
Variant type: single nucleotide variant.
Coding change: c.160A>G on transcript NM_000337.6 (MANE Select); coding-DNA position 160, A replaced by G.
Protein change: p.Ile54Val; replaces isoleucine 54 with valine.
Molecular consequence: missense variant.
Genome position (GRCh38, 1-based): chr5:156,344,645, A>G. VCF-style: chr5-156344645-A-G. GRCh37 (hg19) VCF-style: chr5-155771655-A-G.
Other names: p.I54V:ATC>GTC; c.157A>G, p.Ile53Val (NM_001128209.2); c.160A>G, p.Ile54Val (NM_172244.3); short protein forms I54V, I53V.
Identifiers: ClinVar variation 202087 (VCV000202087.17), dbSNP rs200671745, ClinGen allele CA308785.